The following is an entry in ClinVar:

NM_006129.5(BMP1):c.1668C>T (p.Arg556=)

Genes: BMP1 (bone morphogenetic protein 1; plus strand), LOC113788269 (BRD4-independent group 4 enhancer GRCh37_chr8:22052064-22053263; plus strand). Cytogenetic location: 8p21.3.
Variant type: single nucleotide variant.
Coding change: c.1668C>T on transcript NM_006129.5 (MANE Select); coding-DNA position 1668, C replaced by T.
Protein change: p.Arg556=; no amino-acid change (arginine 556 retained).
Molecular consequence: synonymous variant. On other transcripts: non-coding transcript variant (2).
Genome position (GRCh38, 1-based): chr8:22,195,490, C>T. VCF-style: chr8-22195490-C-T. GRCh37 (hg19) VCF-style: chr8-22053003-C-T.
Other names: c.1668C>T (NM_006129.4); c.1668C>T, p.Arg556= (NM_001199.4).
Identifiers: ClinVar variation 2887168 (VCV002887168.6), dbSNP rs752676983, ClinGen allele CA4664757.
Genomic context (GRCh38, chr8:22,195,490, plus strand): 5'-GAGTCTGTGACACCCTTTCCTTCCCACCACAGAGGTGGACGAGTGCTCTCGGCCCAACCG[C>T]GGGGGCTGTGAGCAGCGGTGCCTCAACACCCTGGGCAGCTACAAGTGCAGCTGTGACCCC-3'
Protein context (NP_006120.1, residues 546-566): KEVDECSRPN[Arg556=]GGCEQRCLNT

ClinVar aggregate classification (germline): Likely benign. Review status: criteria provided, multiple submitters, no conflicts (2 of 4 stars). 3 submissions from 3 submitters: Likely benign (2). 1 of the submissions does not count toward it. Last evaluated 2024-11-12.

Conditions:
BMP1-related disorder. Also called: BMP1-related condition.

Allele frequency attached by ClinVar (database versions not stated): gnomAD exomes 0.00002; TOPMed 0.00002; ExAC 0.00003; gnomAD 0.00003.
gnomAD v4.1: 35 of 1,611,664 alleles (0.0022%); highest among the groups gnomAD compares: Middle Eastern, 0.27%; 1 homozygote.

Submissions (3):

Blueprint Genetics
Classification: Likely benign. Last evaluated: 2024-11-12. Review status: criteria provided, single submitter. Criteria: ACMG Guidelines, 2015. Collection method: clinical testing. Allele origin: germline.

Labcorp Genetics (formerly Invitae), Labcorp
Classification: Likely benign. Last evaluated: 2024-01-18. Review status: criteria provided, single submitter. Criteria: Invitae Variant Classification Sherloc (09022015). Collection method: clinical testing. Allele origin: germline.

PreventionGenetics, part of Exact Sciences
Classification: Likely benign for BMP1-related condition. Last evaluated: 2019-07-23. Review status: no assertion criteria provided. Collection method: clinical testing. Allele origin: germline. Not counted in ClinVar's aggregate classification.
Comment: This variant is classified as likely benign based on ACMG/AMP sequence variant interpretation guidelines (Richards et al. 2015 PMID: 25741868, with internal and published modifications).